The following is an entry in ClinVar:

NM_012330.4(KAT6B):c.626G>A (p.Arg209His)

Gene: KAT6B (lysine acetyltransferase 6B; plus strand). Cytogenetic location: 10q22.2.
Variant type: single nucleotide variant.
Coding change: c.626G>A on transcript NM_012330.4 (MANE Select); coding-DNA position 626, G replaced by A.
Protein change: p.Arg209His; replaces arginine 209 with histidine.
Molecular consequence: missense variant.
Genome position (GRCh38, 1-based): chr10:74,959,974, G>A. VCF-style: chr10-74959974-G-A. GRCh37 (hg19) VCF-style: chr10-76719732-G-A.
Other names: c.626G>A, p.Arg209His (NM_001256468.2, NM_001256469.2, NM_001370132.1 and 10 more transcripts); c.88G>A, p.Val30Met (NM_001370134.1, NM_001370135.1); short protein forms V30M, R209H.
Identifiers: ClinVar variation 2078359 (VCV002078359.5), dbSNP rs1286866874, ClinGen allele CA377279821.
Genomic context (GRCh38, chr10:74,959,974, plus strand): 5'-GTTTTTACTTTTGAAATGGAAAAGTGACAGTATTTTTTATTTTAATTTTGTCATAGCCCC[G>A]TGCTGATCCCATTCCAATATGTAGCTTCTGTTTGGGGACTAAAGAATCAAATCGTGAAAA-3'
Protein context (NP_036462.2, residues 199-219): SLLPHEKDQP[Arg209His]ADPIPICSFC

ClinVar aggregate classification (germline): Uncertain significance. Review status: criteria provided, multiple submitters, no conflicts (2 of 4 stars). 2 submissions from 2 submitters: Uncertain significance (2). Last evaluated 2024-11-06.

Conditions:
Genitopatellar syndrome (GTPTS). Also called: Genitopatellar syndrome (GPS); ABSENT PATELLAE, SCROTAL HYPOPLASIA, RENAL ANOMALIES, FACIAL DYSMORPHISM, AND MENTAL RETARDATION. Identifiers: Orphanet 85201, MedGen C1853566, MONDO:0011640, OMIM 606170.

Allele frequency attached by ClinVar (database versions not stated): gnomAD 0.00001; gnomAD exomes 0.00001; TOPMed 0.00002.
gnomAD v4.1: 14 of 1,603,840 alleles (0.00087%); highest among the groups gnomAD compares: East Asian, 0.0067%; no homozygotes.

Submissions (2):

Women's Health and Genetics/Laboratory Corporation of America, LabCorp
Classification: Uncertain significance. Last evaluated: 2024-11-06. Review status: criteria provided, single submitter. Criteria: LabCorp Variant Classification Summary - May 2015. Collection method: clinical testing. Allele origin: germline.
Comment: Variant summary: KAT6B c.626G>A (p.Arg209His) results in a non-conservative amino acid change in the encoded protein sequence. Four of five in-silico tools predict a damaging effect of the variant on protein function. The variant allele was found at a frequency of 1.6e-05 in 251438 control chromosomes. The available data on variant occurrences in the general population are insufficient to allow any conclusion about variant significance. To our knowledge, no occurrence of c.626G>A in individuals affected with KAT6B-Related Spectrum Disorders and no experimental evidence demonstrating its impact on protein function have been reported. ClinVar contains an entry for this variant (Variation ID: 2078359). Based on the evidence outlined above, the variant was classified as uncertain significance.

Labcorp Genetics (formerly Invitae), Labcorp
Classification: Uncertain significance for Genitopatellar syndrome. Last evaluated: 2024-05-05. Review status: criteria provided, single submitter. Criteria: Invitae Variant Classification Sherloc (09022015). Collection method: clinical testing. Allele origin: germline.
Comment: This sequence change replaces arginine, which is basic and polar, with histidine, which is basic and polar, at codon 209 of the KAT6B protein (p.Arg209His). This variant is present in population databases (no rsID available, gnomAD 0.01%). This variant has not been reported in the literature in individuals affected with KAT6B-related conditions. ClinVar contains an entry for this variant (Variation ID: 2078359). An algorithm developed to predict the effect of missense changes on protein structure and function (PolyPhen-2) suggests that this variant is likely to be disruptive. In summary, the available evidence is currently insufficient to determine the role of this variant in disease. Therefore, it has been classified as a Variant of Uncertain Significance.